The following is an entry in ClinVar:

NM_004958.4(MTOR):c.4981G>A (p.Gly1661Ser)

Gene: MTOR (mechanistic target of rapamycin kinase; minus strand). Cytogenetic location: 1p36.22.
Variant type: single nucleotide variant.
Coding change: c.4981G>A on transcript NM_004958.4 (MANE Select); coding-DNA position 4981, G replaced by A.
Protein change: p.Gly1661Ser; replaces glycine 1661 with serine.
Molecular consequence: missense variant.
Genome position (GRCh38, 1-based): chr1:11,139,550, C>T on the plus strand (G>A on the coding strand, the complement: MTOR is on the minus strand). VCF-style: chr1-11139550-C-T. GRCh37 (hg19) VCF-style: chr1-11199607-C-T.
Other names: c.4981G>A, p.Gly1661Ser (NM_001386500.1); c.3733G>A, p.Gly1245Ser (NM_001386501.1); short protein forms G1661S, G1245S.
Identifiers: ClinVar variation 2162004 (VCV002162004.4), dbSNP rs771659197, ClinGen allele CA589491.
Genomic context (GRCh38, chr1:11,139,550, plus strand): 5'-ATGGGGCCCTACCTGCCCATGTGGGTGGGTGGTTGTCACTCACCAGCCTGCCACTCTTGC[C>T]GCACAGGCTTGCATACTTGAGCCAGGTTCTCATGTCTTCATGAGGGCTGACCACAAGGGA-3'
Protein context (NP_004949.1, residues 1651-1671): RTWLKYASLC[Gly1661Ser]KSGRLALAHK

ClinVar aggregate classification (germline): Uncertain significance (1 of 4 stars; one submission).

Allele frequency attached by ClinVar (database versions not stated): gnomAD 0.00001; gnomAD exomes 0.00001; ExAC 0.00002.
gnomAD v4.1: 13 of 1,614,178 alleles (0.00081%); highest among the groups gnomAD compares: South Asian, 0.014%; no homozygotes.

Submission:

Labcorp Genetics (formerly Invitae), Labcorp
Classification: Uncertain significance. Last evaluated: 2024-07-30. Review status: criteria provided, single submitter. Criteria: Invitae Variant Classification Sherloc (09022015). Collection method: clinical testing. Allele origin: germline.
Comment: This sequence change replaces glycine, which is neutral and non-polar, with serine, which is neutral and polar, at codon 1661 of the MTOR protein (p.Gly1661Ser). This variant is present in population databases (rs771659197, gnomAD 0.01%). This variant has not been reported in the literature in individuals affected with MTOR-related conditions. ClinVar contains an entry for this variant (Variation ID: 2162004). Advanced modeling of protein sequence and biophysical properties (such as structural, functional, and spatial information, amino acid conservation, physicochemical variation, residue mobility, and thermodynamic stability) performed at Invitae indicates that this missense variant is not expected to disrupt MTOR protein function with a negative predictive value of 95%. In summary, the available evidence is currently insufficient to determine the role of this variant in disease. Therefore, it has been classified as a Variant of Uncertain Significance.